The following is an entry in ClinVar:

NM_007059.4(KPTN):c.863G>C (p.Arg288Pro)

Gene: KPTN (kaptin, actin binding protein; minus strand). Cytogenetic location: 19q13.32.
Variant type: single nucleotide variant.
Coding change: c.863G>C on transcript NM_007059.4 (MANE Select); coding-DNA position 863, G replaced by C.
Protein change: p.Arg288Pro; replaces arginine 288 with proline.
Molecular consequence: missense variant. On other transcripts: non-coding transcript variant (1).
Genome position (GRCh38, 1-based): chr19:47,477,706, C>G on the plus strand (G>C on the coding strand, the complement: KPTN is on the minus strand). VCF-style: chr19-47477706-C-G. GRCh37 (hg19) VCF-style: chr19-47980963-C-G.
Other names: c.695G>C, p.Arg232Pro (NM_001291296.2); short protein forms R232P, R288P.
Identifiers: ClinVar variation 1703138 (VCV001703138.3), dbSNP rs772378754, ClinGen allele CA406601728.
Genomic context (GRCh38, chr19:47,477,706, plus strand): 5'-TTAGACCACAGTGCAAAGAAAGAAGGTTAGACCACACCCATGTGTCTCAGGCCCCCTCAC[C>G]GATACACCACTGCTGGCTCCAACATGCTGGCCACGAGCACGCTGTACTCATCTTGTAGTG-3'
Protein context (NP_008990.2, residues 278-298): ASMLEPAVVY[Arg288Pro]DLLNRGLEDQ

ClinVar aggregate classification (germline): Likely pathogenic (1 of 4 stars; one submission).

Conditions:
Macrocephaly-developmental delay syndrome (MRT41). Also called: INTELLECTUAL DEVELOPMENTAL DISORDER, AUTOSOMAL RECESSIVE 41. Identifiers: Orphanet 397612, MedGen C3810225, MONDO:0014289, OMIM 615637.

gnomAD v4.1: 1 of 1,611,896 alleles (0.000062%); highest among the groups gnomAD compares: Non-Finnish European, 0.000085%; no homozygotes.

Submission:

Greenwood Genetic Center Diagnostic Laboratories, Greenwood Genetic Center
Classification: Likely pathogenic for Macrocephaly-developmental delay syndrome. Last evaluated: 2022-04-13. Review status: criteria provided, single submitter. Criteria: ACMG Guidelines, 2015. Collection method: clinical testing. Allele origin: germline. Affected: yes.
Comment: PS3, PM2